The following is an entry in ClinVar:

ClinVar aggregate classification (germline): Uncertain significance. Review status: criteria provided, multiple submitters, no conflicts (2 of 4 stars). 2 submissions from 2 submitters: Uncertain significance (2). Last evaluated 2024-02-22.

Conditions:
Arrhythmogenic right ventricular cardiomyopathy (ARVD). Also called: Cardiomyopathy, ARVC; Arrhythmogenic right ventricular dysplasia; Arrhythmogenic cardiomyopathy; Arrhythmogenic Right Ventricular Cardiomyopathy (ARVC). Identifiers: Orphanet 247, MedGen C0349788, MeSH D019571, MONDO:0016587. Disease mechanism: loss of function. Inheritance: Various modes of inheritance.
Arrhythmogenic right ventricular dysplasia 9 (ARVD9). Also called: Arrhythmogenic Right Ventricular Dysplasia/Cardiomyopathy 9; ARRHYTHMOGENIC RIGHT VENTRICULAR DYSPLASIA, FAMILIAL, 9. Identifiers: MedGen C1836906, MONDO:0012180, OMIM 609040.

Allele frequency attached by ClinVar (database versions not stated): TOPMed below 0.00001.
gnomAD v4.1: 1 of 1,614,122 alleles (0.000062%); highest among the groups gnomAD compares: Admixed American, 0.0017%; no homozygotes.

Submissions (2):

All of Us Research Program, National Institutes of Health
Classification: Uncertain significance for Arrhythmogenic right ventricular cardiomyopathy. Last evaluated: 2024-02-22. Review status: criteria provided, single submitter. Criteria: ACMG Guidelines, 2015. Collection method: clinical testing. Allele origin: germline. Inheritance: Autosomal dominant inheritance. Observed: 2 variant alleles, 2 heterozygotes.
Comment: This missense variant replaces tyrosine with phenylalanine at codon 845 of the PKP2 protein. Computational prediction suggests that this variant may not impact protein structure and function (internally defined REVEL score threshold <= 0.5, PMID: 27666373). To our knowledge, functional studies have not been reported for this variant. This variant has not been reported in individuals affected with PKP2-related disorders in the literature. This variant has not been identified in the general population by the Genome Aggregation Database (gnomAD). The available evidence is insufficient to determine the role of this variant in disease conclusively. Therefore, this variant is classified as a Variant of Uncertain Significance.

This study involves interpretation of variants in research participants for the purpose of population health screening. Participant phenotype was not available at the time of variant classification. Additional details can be found in publication PMID: 35346344, PMCID: PMC8962531

Labcorp Genetics (formerly Invitae), Labcorp
Classification: Uncertain significance for Arrhythmogenic right ventricular dysplasia 9. Last evaluated: 2022-06-09. Review status: criteria provided, single submitter. Criteria: Invitae Variant Classification Sherloc (09022015). Collection method: clinical testing. Allele origin: germline.
Comment: Algorithms developed to predict the effect of missense changes on protein structure and function are either unavailable or do not agree on the potential impact of this missense change (SIFT: "Tolerated"; PolyPhen-2: "Possibly Damaging"; Align-GVGD: "Class C0"). In summary, the available evidence is currently insufficient to determine the role of this variant in disease. Therefore, it has been classified as a Variant of Uncertain Significance. ClinVar contains an entry for this variant (Variation ID: 406556). This variant has not been reported in the literature in individuals affected with PKP2-related conditions. This variant is not present in population databases (gnomAD no frequency). This sequence change replaces tyrosine, which is neutral and polar, with phenylalanine, which is neutral and non-polar, at codon 845 of the PKP2 protein (p.Tyr845Phe).

NM_001005242.3(PKP2):c.2402A>T (p.Tyr801Phe)

Gene: PKP2 (plakophilin 2; minus strand). Cytogenetic location: 12p11.21.
Variant type: single nucleotide variant.
Coding change: c.2402A>T on transcript NM_001005242.3 (MANE Select); coding-DNA position 2402, A replaced by T.
Protein change: p.Tyr801Phe; replaces tyrosine 801 with phenylalanine.
Molecular consequence: missense variant.
Genome position (GRCh38, 1-based): chr12:32,792,687, T>A on the plus strand (A>T on the coding strand, the complement: PKP2 is on the minus strand). VCF-style: chr12-32792687-T-A. GRCh37 (hg19) VCF-style: chr12-32945621-T-A.
Other names: c.2534A>T, p.Tyr845Phe (NM_004572.4); short protein forms Y845F, Y801F.
Identifiers: ClinVar variation 406556 (VCV000406556.10), dbSNP rs1060501187, ClinGen allele CA16614119.